The following is an entry in ClinVar:

ClinVar aggregate classification (germline): Likely pathogenic (1 of 4 stars; one submission).

Conditions:
Congenital bilateral aplasia of vas deferens from CFTR mutation (CBAVD). Identifiers: Orphanet 48, MedGen C0403814, MONDO:0010178, OMIM 277180. Disease mechanism: loss of function.

Submission:

Juno Genomics, Hangzhou Juno Genomics, Inc
Classification: Likely pathogenic for Congenital bilateral aplasia of vas deferens from CFTR mutation. Review status: criteria provided, single submitter. Criteria: ACMG Guidelines, 2015. Collection method: clinical testing. Allele origin: germline. Affected: yes.
Comment: Absent from controls (or at extremely low frequency if recessive) in Genome Aggregation Database.;Null variant in a gene where loss of function (LOF) is a known mechanism of disease.

NM_000492.4(CFTR):c.1846dup (p.Ile616fs)

Gene: CFTR (CF transmembrane conductance regulator; plus strand). Cytogenetic location: 7q31.2.
Variant type: Duplication.
Coding change: c.1846dup on transcript NM_000492.4 (MANE Select); coding-DNA position 1846, one base duplicated (A; older notation c.1846dupA).
Protein change: p.Ile616fs; shifts the reading frame from isoleucine 616.
Molecular consequence: frameshift variant.
Genome position (GRCh38, 1-based): chr7:117,592,013, A duplicated; the last of 4 consecutive A bases (chr7:117,592,010-117,592,013); duplicating any one gives the same sequence. VCF-style (leftmost placement, unchanged base first): chr7-117592009-C-CA. GRCh37 (hg19) VCF-style: chr7-117232063-C-CA.
Other names: short protein forms I616fs.
Identifiers: ClinVar variation 5019177 (VCV005019177.1).